The following is an entry in ClinVar:

ClinVar aggregate classification (germline): Uncertain significance. Review status: criteria provided, multiple submitters, no conflicts (2 of 4 stars). 2 submissions from 2 submitters: Uncertain significance (2). Last evaluated 2024-10-20.

Conditions:
Hyperkalemic periodic paralysis. Also called: Familial hyperkalemic periodic paralysis; Gamstorp disease. Identifiers: Orphanet 682, MedGen C0238357, MONDO:0008224, OMIM 170500, HP:0007215.

Allele frequency attached by ClinVar (database versions not stated): TOPMed below 0.00001; gnomAD exomes 0.00001.
gnomAD v4.1: 4 of 1,613,936 alleles (0.00025%); highest among the groups gnomAD compares: South Asian, 0.0011%; no homozygotes.

Submissions (2):

Labcorp Genetics (formerly Invitae), Labcorp
Classification: Uncertain significance for Hyperkalemic periodic paralysis. Last evaluated: 2024-10-20. Review status: criteria provided, single submitter. Criteria: Invitae Variant Classification Sherloc (09022015). Collection method: clinical testing. Allele origin: germline.
Comment: This sequence change replaces arginine, which is basic and polar, with glutamine, which is neutral and polar, at codon 1740 of the SCN4A protein (p.Arg1740Gln). This variant is present in population databases (no rsID available, gnomAD 0.003%). This variant has not been reported in the literature in individuals affected with SCN4A-related conditions. ClinVar contains an entry for this variant (Variation ID: 2172660). Invitae Evidence Modeling of protein sequence and biophysical properties (such as structural, functional, and spatial information, amino acid conservation, physicochemical variation, residue mobility, and thermodynamic stability) indicates that this missense variant is not expected to disrupt SCN4A protein function with a negative predictive value of 95%. In summary, the available evidence is currently insufficient to determine the role of this variant in disease. Therefore, it has been classified as a Variant of Uncertain Significance.

Revvity Omics, Revvity
Classification: Uncertain significance. Last evaluated: 2024-06-05. Review status: criteria provided, single submitter. Criteria: ACMG Guidelines, 2015. Collection method: clinical testing. Allele origin: germline.

NM_000334.4(SCN4A):c.5219G>A (p.Arg1740Gln)

Genes: GH-LCR (growth hormone locus control region; plus strand), SCN4A (sodium voltage-gated channel alpha subunit 4; minus strand). Cytogenetic location: 17q23.3.
Variant type: single nucleotide variant.
Coding change: c.5219G>A on transcript NM_000334.4 (MANE Select); coding-DNA position 5219, G replaced by A.
Protein change: p.Arg1740Gln; replaces arginine 1740 with glutamine.
Molecular consequence: missense variant.
Genome position (GRCh38, 1-based): chr17:63,941,063, C>T on the plus strand (G>A on the coding strand, the complement: SCN4A is on the minus strand). VCF-style: chr17-63941063-C-T. GRCh37 (hg19) VCF-style: chr17-62018423-C-T.
Other names: short protein forms R1740Q.
Identifiers: ClinVar variation 2172660 (VCV002172660.5), dbSNP rs1450130627, ClinGen allele CA400613385.